The following is an entry in ClinVar:

NM_016175.4(MRNIP):c.339G>A (p.Lys113=)

Gene: MRNIP (MRN complex interacting protein; minus strand). Cytogenetic location: 5q35.3.
Variant type: single nucleotide variant.
Coding change: c.339G>A on transcript NM_016175.4 (MANE Select); coding-DNA position 339, G replaced by A.
Protein change: p.Lys113=; no amino-acid change (lysine 113 retained).
Molecular consequence: synonymous variant.
Genome position (GRCh38, 1-based): chr5:179,842,017, C>T on the plus strand (G>A on the coding strand, the complement: MRNIP is on the minus strand). VCF-style: chr5-179842017-C-T. GRCh37 (hg19) VCF-style: chr5-179269017-C-T.
Other names: c.174G>A, p.Lys58= (NM_001017987.3).
Identifiers: ClinVar variation 2656139 (VCV002656139.24), dbSNP rs2480296267, ClinGen allele CA448074644.

ClinVar aggregate classification (germline): Likely benign (1 of 4 stars; one submission).

Allele frequency attached by ClinVar (database versions not stated): gnomAD exomes below 0.00001.
gnomAD v4.1: 1 of 1,614,078 alleles (0.000062%); highest among the groups gnomAD compares: African/African-American, 0.0013%; no homozygotes.

Submission:

CeGaT Center for Human Genetics Tuebingen
Classification: Likely benign. Last evaluated: 2022-07-01. Review status: criteria provided, single submitter. Criteria: CeGaT Center For Human Genetics Tuebingen Variant Classification Criteria Version 2. Collection method: clinical testing. Allele origin: germline. Affected: yes. Observed: 1 variant allele.
Comment: MRNIP: PM2:Supporting, BP4, BP7